The following is an entry in ClinVar:

ClinVar aggregate classification (germline): Likely benign (1 of 4 stars; one submission).

gnomAD v4.1: 214 of 152,482 alleles (0.14%); highest among the groups gnomAD compares: Non-Finnish European, 0.25%; 2 homozygotes.

Submission:

CeGaT Center for Human Genetics Tuebingen
Classification: Likely benign. Last evaluated: 2026-02-01. Review status: criteria provided, single submitter. Criteria: CeGaT Center For Human Genetics Tuebingen Variant Classification Criteria Version 2. Collection method: clinical testing. Allele origin: germline. Affected: yes. Observed: 4 variant alleles.
Comment: SOX10: BS1

NC_000022.11:g.37985052G>A

Genes: POLR2F (RNA polymerase II, I and III subunit F; plus strand), SOX10 (SRY-box transcription factor 10; minus strand). Cytogenetic location: 22q13.1.
Variant type: single nucleotide variant.
Molecular consequence: intron variant (on NM_001363825.1).
Genome position: GRCh38 VCF-style: chr22-37985052-G-A. GRCh37 (hg19) VCF-style: chr22-38381059-G-A.
Other names: c.*38+12742G>A (NM_001363825.1); c.294-1102G>A (NM_001301130.2); c.293+17882G>A (NM_001301131.2).
Identifiers: ClinVar variation 3388285 (VCV003388285.14).
Genomic context (GRCh38, chr22:37,985,052, plus strand): 5'-GCCTAGTGTGTGCCAGGCACTGATGCCCAGCTCCTCACCCTGCCTCCTACCTTTTCCCAG[G>A]CAGCCCTTTCTGCCCCATCCTGCACAGTAAGAGAGACTTCTCAGGGATCCCTCTGAGAAG-3'